The following is an entry in ClinVar:

NM_014208.3(DSPP):c.1688del (p.Ser563fs)

Genes: DMP1-AS1 (DMP1 and DSPP antisense RNA 1; minus strand), DSPP (dentin sialophosphoprotein; plus strand). Cytogenetic location: 4q22.1.
Variant type: Deletion.
Coding change: c.1688del on transcript NM_014208.3 (MANE Select); coding-DNA position 1688, one base deleted (G; older notation c.1688delG).
Protein change: p.Ser563fs; shifts the reading frame from serine 563.
Molecular consequence: frameshift variant.
Genome position (GRCh38, 1-based): chr4:87,614,350, G deleted. VCF-style (leftmost placement, unchanged base first): chr4-87614349-AG-A. GRCh37 (hg19) VCF-style: chr4-88535501-AG-A.
Other names: short protein forms S563fs.
Identifiers: ClinVar variation 4082218 (VCV004082218.1).

ClinVar aggregate classification (germline): Pathogenic (1 of 4 stars; one submission).

Conditions:
Dentinogenesis imperfecta type 2 (DGI1). Also called: CAPDEPONT TEETH; OPALESCENT DENTIN; OPALESCENT TEETH WITHOUT OSTEOGENESIS IMPERFECTA; Dentinogenesis imperfecta without osteogenesis imperfecta; Hereditary Opalescent Dentin; Dentinogenesis imperfecta - Shield's type II. Identifiers: Orphanet 166260, MedGen C2973527, MONDO:0007441, OMIM 125490. Disease mechanism: loss of function.

Submission:

Reference Center For Rare Oral And Dental Diseases, CRMR O-Rares, Hôpitaux Universitaires De Strasbourg
Classification: Pathogenic for Dentinogenesis imperfecta type 2. Last evaluated: 2025-09-03. Review status: criteria provided, single submitter. Criteria: ACMG Guidelines, 2015. Collection method: clinical testing. Allele origin: maternal. Inheritance: Autosomal dominant inheritance. Affected: yes. Observed: 2 variant alleles.
Comment: PVS1, PP4, PM2 (5)